The following is an entry in ClinVar:

NM_001368067.1(LDB3):c.802C>G (p.Arg268Gly)

Gene: LDB3 (LIM domain binding 3; plus strand). Cytogenetic location: 10q23.2.
Variant type: single nucleotide variant.
Coding change: c.802C>G on transcript NM_001368067.1 (MANE Plus Clinical); coding-DNA position 802, C replaced by G.
Protein change: p.Arg268Gly; replaces arginine 268 with glycine.
Molecular consequence: missense variant. On other transcripts: intron variant (6).
Genome position (GRCh38, 1-based): chr10:86,699,324, C>G. VCF-style: chr10-86699324-C-G. GRCh37 (hg19) VCF-style: chr10-88459081-C-G.
Other names: c.802C>G, p.Arg268Gly (NM_001080116.1, NM_001368068.1); c.943C>G, p.Arg315Gly (NM_001080115.2, NM_001368063.1); c.1147C>G, p.Arg383Gly (NM_001171611.2); c.896+6753C>G (NM_001368064.1, NM_007078.3, NM_001368065.1); c.1100+6753C>G (NM_001171610.2); c.755+6753C>G (NM_001368066.1, NM_001080114.2); short protein forms R383G, R268G, R315G.
Identifiers: ClinVar variation 941415 (VCV000941415.34), dbSNP rs121908335, ClinGen allele CA377445104.
Genomic context (GRCh38, chr10:86,699,324, plus strand): 5'-TCTCTGTGCCACAGGGAAAGGTTTGAAACGGAACGTAACAGCCCACGTTTTGCCAAATTG[C>G]GCAACTGGCACCATGGCCTTTCAGCCCAAATCCTTAATGTTAAAAGCTAAAAGGCTGCCT-3'
Protein context (NP_001354996.1, residues 258-278): ERNSPRFAKL[Arg268Gly]NWHHGLSAQI

ClinVar aggregate classification (germline): Uncertain significance. Review status: criteria provided, multiple submitters, no conflicts (2 of 4 stars). 2 submissions from 2 submitters: Uncertain significance (2). Last evaluated 2022-03-01.

Conditions:
Myofibrillar myopathy 4. Also called: Zaspopathy (type). Identifiers: Orphanet 98912, MedGen C4721886, MONDO:0012277, OMIM 609452.

Submissions (2):

CeGaT Center for Human Genetics Tuebingen
Classification: Uncertain significance. Last evaluated: 2022-03-01. Review status: criteria provided, single submitter. Criteria: CeGaT Center For Human Genetics Tuebingen Variant Classification Criteria Version 2. Collection method: clinical testing. Allele origin: germline. Affected: yes. Observed: 1 variant allele.
Comment: LDB3: PM2, PM5:Supporting, BP4

Labcorp Genetics (formerly Invitae), Labcorp
Classification: Uncertain significance for Myofibrillar myopathy 4. Last evaluated: 2019-06-09. Review status: criteria provided, single submitter. Criteria: Invitae Variant Classification Sherloc (09022015). Collection method: clinical testing. Allele origin: germline.
Comment: In summary, the available evidence is currently insufficient to determine the role of this variant in disease. Therefore, it has been classified as a Variant of Uncertain Significance. Algorithms developed to predict the effect of missense changes on protein structure and function (SIFT, PolyPhen-2, Align-GVGD) all suggest that this variant is likely to be disruptive, but these predictions have not been confirmed by published functional studies and their clinical significance is uncertain. This variant has not been reported in the literature in individuals with LDB3-related conditions. This variant is not present in population databases (ExAC no frequency). This sequence change replaces arginine with glycine at codon 268 of the LDB3 protein (p.Arg268Gly). The arginine residue is moderately conserved and there is a moderate physicochemical difference between arginine and glycine.